The following is an entry in ClinVar:

NM_001127392.3(MYRF):c.848C>T (p.Thr283Ile)

Gene: MYRF (myelin regulatory factor; plus strand). Cytogenetic location: 11q12.2.
Variant type: single nucleotide variant.
Coding change: c.848C>T on transcript NM_001127392.3 (MANE Select); coding-DNA position 848, C replaced by T.
Protein change: p.Thr283Ile; replaces threonine 283 with isoleucine.
Molecular consequence: missense variant.
Genome position (GRCh38, 1-based): chr11:61,771,607, C>T. VCF-style: chr11-61771607-C-T. GRCh37 (hg19) VCF-style: chr11-61539079-C-T.
Other names: c.821C>T, p.Thr274Ile (NM_013279.4); short protein forms T274I, T283I.
Identifiers: ClinVar variation 3053408 (VCV003053408.10), dbSNP rs139799827, ClinGen allele CA6037675.

ClinVar aggregate classification (germline): Likely benign. Review status: criteria provided, multiple submitters, no conflicts (2 of 4 stars). 3 submissions from 3 submitters: Likely benign (2). 1 of the submissions does not count toward it. Last evaluated 2025-02-01.

Conditions:
MYRF-related disorder. Also called: MYRF-related condition; MYRF-related disorders.

Allele frequency attached by ClinVar (database versions not stated): TOPMed 0.00018; 1000 Genomes Project 0.00020; gnomAD 0.00029; ExAC 0.00030; 1000 Genomes Project 30x 0.00031; gnomAD exomes 0.00036; ESP Exome Variant Server 0.00038.

Submissions (3):

CeGaT Center for Human Genetics Tuebingen
Classification: Likely benign. Last evaluated: 2025-02-01. Review status: criteria provided, single submitter. Criteria: CeGaT Center For Human Genetics Tuebingen Variant Classification Criteria Version 2. Collection method: clinical testing. Allele origin: germline. Affected: yes. Observed: 1 variant allele.
Comment: MYRF: BP4

Blueprint Genetics
Classification: Likely benign. Last evaluated: 2024-10-09. Review status: criteria provided, single submitter. Criteria: ACMG Guidelines, 2015. Collection method: clinical testing. Allele origin: germline.

PreventionGenetics, part of Exact Sciences
Classification: Likely benign for MYRF-related condition. Last evaluated: 2022-07-16. Review status: no assertion criteria provided. Collection method: clinical testing. Allele origin: germline. Not counted in ClinVar's aggregate classification.
Comment: This variant is classified as likely benign based on ACMG/AMP sequence variant interpretation guidelines (Richards et al. 2015 PMID: 25741868, with internal and published modifications).